The following is an entry in ClinVar:

ClinVar aggregate classification (germline): Conflicting classifications of pathogenicity. Review status: criteria provided, conflicting classifications (1 of 4 stars). 2 submissions from 2 submitters: Uncertain significance (1); Likely benign (1). Last evaluated 2024-03-26.

Conditions:
Early-infantile DEE. Also called: Early infantile epileptic encephalopathy; Early infantile epileptic encephalopathy with suppression bursts; Ohtahara syndrome. Identifiers: Orphanet 1934, MedGen C0393706, MONDO:0800491.
Developmental and epileptic encephalopathy, 5 (DEE5). Identifiers: Orphanet 3451, MedGen C3150731, MONDO:0013277, OMIM 613477.

Allele frequency attached by ClinVar (database versions not stated): gnomAD exomes below 0.00001; ExAC 0.00001; gnomAD 0.00001.
gnomAD v4.1: 6 of 1,613,870 alleles (0.00037%); highest among the groups gnomAD compares: East Asian, 0.0022%; no homozygotes.

Submissions (2):

Genomic Medicine Center of Excellence, King Faisal Specialist Hospital and Research Centre
Classification: Likely benign for Developmental and epileptic encephalopathy, 5. Last evaluated: 2024-03-26. Review status: criteria provided, single submitter. Criteria: ACMG Guidelines, 2015. Collection method: clinical testing. Allele origin: germline.

Labcorp Genetics (formerly Invitae), Labcorp
Classification: Uncertain significance for Early-infantile DEE. Last evaluated: 2022-03-05. Review status: criteria provided, single submitter. Criteria: Invitae Variant Classification Sherloc (09022015). Collection method: clinical testing. Allele origin: germline.
Comment: This sequence change replaces proline, which is neutral and non-polar, with leucine, which is neutral and non-polar, at codon 2385 of the SPTAN1 protein (p.Pro2385Leu). This variant is present in population databases (rs755081860, gnomAD 0.0009%). This variant has not been reported in the literature in individuals affected with SPTAN1-related conditions. Algorithms developed to predict the effect of missense changes on protein structure and function are either unavailable or do not agree on the potential impact of this missense change (SIFT: "Deleterious"; PolyPhen-2: "Benign"; Align-GVGD: "Class C65"). In summary, the available evidence is currently insufficient to determine the role of this variant in disease. Therefore, it has been classified as a Variant of Uncertain Significance.

NM_001130438.3(SPTAN1):c.7154C>T (p.Pro2385Leu)

Gene: SPTAN1 (spectrin alpha, non-erythrocytic 1; plus strand). Cytogenetic location: 9q34.11.
Variant type: single nucleotide variant.
Coding change: c.7154C>T on transcript NM_001130438.3 (MANE Select); coding-DNA position 7154, C replaced by T.
Protein change: p.Pro2385Leu; replaces proline 2385 with leucine.
Molecular consequence: missense variant.
Genome position (GRCh38, 1-based): chr9:128,632,712, C>T. VCF-style: chr9-128632712-C-T. GRCh37 (hg19) VCF-style: chr9-131394991-C-T.
Other names: c.7079C>T, p.Pro2360Leu (NM_001195532.2); c.7217C>T, p.Pro2406Leu (NM_001363759.2); c.7094C>T, p.Pro2365Leu (NM_001363765.2, NM_001375314.2); c.7241C>T, p.Pro2414Leu (NM_001375310.1); c.7154C>T, p.Pro2385Leu (NM_001375311.2); c.7190C>T, p.Pro2397Leu (NM_001375312.2); c.7136C>T, p.Pro2379Leu (NM_001375313.1); c.7253C>T, p.Pro2418Leu (NM_001375318.1); and 1 more; short protein forms P2379L, P2397L, P2406L, P2360L, P2380L, P2414L, P2418L, P2365L.
Identifiers: ClinVar variation 2188311 (VCV002188311.5), dbSNP rs755081860, ClinGen allele CA5266013.
Genomic context (GRCh38, chr9:128,632,712, plus strand): 5'-CCATGGTGGAGGAAGGGGAACCTGACCCTGAGTTCGAGGCAATCCTGGACACGGTGGATC[C>T]GAACAGGTAAATTAATTAAGGCCAGGTGCTGTGAGCCTCTGCCCGGGGCACCCACCTGCC-3'
Protein context (NP_001123910.1, residues 2375-2395): EFEAILDTVD[Pro2385Leu]NRDGHVSLQE